The following is an entry in ClinVar:

NM_001127208.3(TET2):c.4975T>C (p.Tyr1659His)

Genes: TET2 (tet methylcytosine dioxygenase 2; plus strand), TET2-AS1 (TET2 antisense RNA 1; minus strand). Cytogenetic location: 4q24.
Variant type: single nucleotide variant.
Coding change: c.4975T>C on transcript NM_001127208.3 (MANE Select); coding-DNA position 4975, T replaced by C.
Protein change: p.Tyr1659His; replaces tyrosine 1659 with histidine.
Molecular consequence: missense variant.
Genome position (GRCh38, 1-based): chr4:105,275,485, T>C. VCF-style: chr4-105275485-T-C. GRCh37 (hg19) VCF-style: chr4-106196642-T-C.
Other names: short protein forms Y1659H.
Identifiers: ClinVar variation 1338189 (VCV001338189.4), dbSNP rs2110313413, ClinGen allele CA357813971.

ClinVar aggregate classification (germline): Uncertain significance (1 of 4 stars; one submission).

Allele frequency attached by ClinVar (database versions not stated): gnomAD exomes below 0.00001.
gnomAD v4.1: 1 of 1,551,662 alleles (0.000064%); highest among the groups gnomAD compares: Non-Finnish European, 0.000087%; no homozygotes.

Submission:

Genetic Services Laboratory, University of Chicago
Classification: Uncertain significance. Last evaluated: 2021-12-16. Review status: criteria provided, single submitter. Criteria: ACMG Guidelines, 2015. Collection method: clinical testing. Allele origin: germline. Affected: no.
Comment: DNA sequence analysis of the TET2 gene demonstrated a sequence change, c.4975T>C, in exon 11 that results in an amino acid change, p.Tyr1659His. This sequence change does not appear to have been previously described in individuals with TET2-related disorders and has also not been described in population databases such as ExAC and gnomAD. The p.Tyr1659His change affects a moderately conserved amino acid residue located in a domain of the TET2 protein that is not known to be functional. The p.Tyr1659His substitution appears to be benign using several in-silico pathogenicity prediction tools (SIFT, PolyPhen2, Align GVGD, REVEL). Due to insufficient evidences and the lack of functional studies, the clinical significance of the p.Tyr1659His change remains unknown at this time.